The following is an entry in ClinVar:

NM_001099922.3(ALG13):c.1900G>C (p.Gly634Arg)

Gene: ALG13 (ALG13 UDP-N-acetylglucosaminyltransferase subunit; plus strand). Cytogenetic location: Xq23.
Variant type: single nucleotide variant.
Coding change: c.1900G>C on transcript NM_001099922.3 (MANE Select); coding-DNA position 1900, G replaced by C.
Protein change: p.Gly634Arg; replaces glycine 634 with arginine.
Molecular consequence: missense variant. On other transcripts: non-coding transcript variant (1).
Genome position (GRCh38, 1-based): chrX:111,726,979, G>C. VCF-style: chrX-111726979-G-C. GRCh37 (hg19) VCF-style: chrX-110970207-G-C.
Other names: c.1666G>C, p.Gly556Arg (NM_001257231.2); c.1588G>C, p.Gly530Arg (NM_001257234.2, NM_001257237.2, NM_001257230.2); c.1900G>C, p.Gly634Arg (NM_001324292.2); c.1414G>C, p.Gly472Arg (NM_001324293.1); short protein forms G472R, G556R, G530R, G634R.
Identifiers: ClinVar variation 2710221 (VCV002710221.3), dbSNP rs2525935901, ClinGen allele CA414252798.
Genomic context (GRCh38, chrX:111,726,979, plus strand): 5'-AGGCTGCAGCACAGTATGCATTATGGGCACGATCCTCCAATGCACTACTCACAGACAGCT[G>C]GCAATGTTATGTCTAATGAACATTTTCATCCTCAGCATCCATCTCCGAGACAAGGTCGGG-3'
Protein context (NP_001093392.1, residues 624-644): DPPMHYSQTA[Gly634Arg]NVMSNEHFHP

ClinVar aggregate classification (germline): Uncertain significance (1 of 4 stars; one submission).

Conditions:
Developmental and epileptic encephalopathy, 36 (DEE36). Also called: Congenital disorder of glycosylation, type Is; ALG13-CDG; Epileptic encephalopathy, early infantile, 36. Identifiers: Orphanet 324422, MedGen C4317295, MONDO:0010472, OMIM 300884.

Submission:

Labcorp Genetics (formerly Invitae), Labcorp
Classification: Uncertain significance for Developmental and epileptic encephalopathy, 36. Last evaluated: 2024-07-01. Review status: criteria provided, single submitter. Criteria: Invitae Variant Classification Sherloc (09022015). Collection method: clinical testing. Allele origin: germline.
Comment: This sequence change replaces glycine, which is neutral and non-polar, with arginine, which is basic and polar, at codon 634 of the ALG13 protein (p.Gly634Arg). This variant is not present in population databases (gnomAD no frequency). This variant has not been reported in the literature in individuals affected with ALG13-related conditions. Advanced modeling of protein sequence and biophysical properties (such as structural, functional, and spatial information, amino acid conservation, physicochemical variation, residue mobility, and thermodynamic stability) performed at Invitae indicates that this missense variant is not expected to disrupt ALG13 protein function with a negative predictive value of 80%. In summary, the available evidence is currently insufficient to determine the role of this variant in disease. Therefore, it has been classified as a Variant of Uncertain Significance.